The following is an entry in ClinVar:

ClinVar aggregate classification (germline): Conflicting classifications of pathogenicity. Review status: criteria provided, conflicting classifications (1 of 4 stars). 7 submissions from 7 submitters: Uncertain significance (4); Likely benign (2). 1 of the submissions does not count toward it. Last evaluated 2026-01-25.

Conditions:
CNGB1-related disorder. Also called: CNGB1-related condition.
Retinitis pigmentosa 45 (RP45). Identifiers: Orphanet 791, MedGen C3151066, MONDO:0013413, OMIM 613767.
Retinitis pigmentosa (RP). Identifiers: Orphanet 791, MedGen C0035334, MeSH D012174, MONDO:0019200, OMIM 268000. Inheritance: Autosomal dominant, autosomal recessive and X linked inheritance.
Inborn genetic diseases. Identifiers: MedGen C0950123, MeSH D030342.

Allele frequency attached by ClinVar (database versions not stated): gnomAD exomes 0.00022 and 0.00047; ExAC 0.00047; ESP Exome Variant Server 0.00108; gnomAD 0.00124 and 0.00131; TOPMed 0.00129; 1000 Genomes Project 0.00140; 1000 Genomes Project 30x 0.00141.
gnomAD v4.1: 535 of 1,614,164 alleles (0.033%); highest among the groups gnomAD compares: African/African-American, 0.37%; 1 homozygote.

Submissions (7):

Labcorp Genetics (formerly Invitae), Labcorp
Classification: Likely benign. Last evaluated: 2026-01-25. Review status: criteria provided, single submitter. Criteria: Invitae Variant Classification Sherloc (09022015). Collection method: clinical testing. Allele origin: germline.

Blueprint Genetics
Classification: Likely benign. Last evaluated: 2024-10-17. Review status: criteria provided, single submitter. Criteria: ACMG Guidelines, 2015. Collection method: clinical testing. Allele origin: germline.

GeneDx
Classification: Uncertain significance. Last evaluated: 2022-06-09. Review status: criteria provided, single submitter. Criteria: GeneDx Variant Classification Process June 2021. Collection method: clinical testing. Allele origin: germline. Affected: yes.
Comment: In silico analysis supports that this missense variant does not alter protein structure/function; Has not been previously published as pathogenic or benign to our knowledge

Ambry Genetics
Classification: Uncertain significance for Inborn genetic diseases. Last evaluated: 2021-08-17. Review status: criteria provided, single submitter. Criteria: Ambry Variant Classification Scheme 2023. Collection method: clinical testing. Allele origin: germline.

ARUP Laboratories, Molecular Genetics and Genomics, ARUP Laboratories
Classification: Uncertain significance for Retinitis pigmentosa 45. Last evaluated: 2018-12-13. Review status: criteria provided, single submitter. Criteria: ARUP Molecular Germline Variant Investigation Process. Collection method: clinical testing. Allele origin: germline.
Comment: The CNGB1 c.232G>A; p.Ala78Thr variant (rs201407276), to our knowledge, is not reported in the medical literature or gene-specific databases. The variant is described in the ClinVar database (Variation ID: 320112) and in the African population with an allele frequency of 0.4% (105/24188 alleles) in the Genome Aggregation Database. The amino acid at this position is weakly conserved and computational algorithms (PolyPhen-2, SIFT) predict this variant is tolerated. Considering available information, the clinical significance of this variant cannot be determined with certainty.

Illumina Laboratory Services, Illumina
Classification: Uncertain significance for Retinitis pigmentosa. Last evaluated: 2018-01-12. Review status: criteria provided, single submitter. Criteria: ICSL Variant Classification Criteria 13 December 2019. Collection method: clinical testing. Allele origin: germline.

PreventionGenetics, part of Exact Sciences
Classification: Likely benign for CNGB1-related condition. Last evaluated: 2023-02-22. Review status: no assertion criteria provided. Collection method: clinical testing. Allele origin: germline. Not counted in ClinVar's aggregate classification.
Comment: This variant is classified as likely benign based on ACMG/AMP sequence variant interpretation guidelines (Richards et al. 2015 PMID: 25741868, with internal and published modifications).

NM_001297.5(CNGB1):c.232G>A (p.Ala78Thr)

Gene: CNGB1 (cyclic nucleotide gated channel subunit beta 1; minus strand). Cytogenetic location: 16q21.
Variant type: single nucleotide variant.
Coding change: c.232G>A on transcript NM_001297.5 (MANE Select); coding-DNA position 232, G replaced by A.
Protein change: p.Ala78Thr; replaces alanine 78 with threonine.
Molecular consequence: missense variant.
Genome position (GRCh38, 1-based): chr16:57,964,188, C>T on the plus strand (G>A on the coding strand, the complement: CNGB1 is on the minus strand). VCF-style: chr16-57964188-C-T. GRCh37 (hg19) VCF-style: chr16-57998092-C-T.
Other names: c.232G>A, p.Ala78Thr (NM_001135639.2, NM_001286130.2); short protein forms A78T.
Identifiers: ClinVar variation 320112 (VCV000320112.25), dbSNP rs201407276, ClinGen allele CA8083935.